The following is an entry in ClinVar:

ClinVar aggregate classification (germline): Uncertain significance (1 of 4 stars; one submission).

Allele frequency attached by ClinVar (database versions not stated): TOPMed below 0.00001; gnomAD 0.00001.
gnomAD v4.1: 24 of 1,536,960 alleles (0.0016%); highest among the groups gnomAD compares: Non-Finnish European, 0.0018%; no homozygotes.

Submission:

Labcorp Genetics (formerly Invitae), Labcorp
Classification: Uncertain significance. Last evaluated: 2023-10-14. Review status: criteria provided, single submitter. Criteria: Invitae Variant Classification Sherloc (09022015). Collection method: clinical testing. Allele origin: germline.
Comment: This sequence change replaces proline, which is neutral and non-polar, with alanine, which is neutral and non-polar, at codon 271 of the MAGEL2 protein (p.Pro271Ala). This variant is not present in population databases (gnomAD no frequency). This variant has not been reported in the literature in individuals affected with MAGEL2-related conditions. Experimental studies and prediction algorithms are not available or were not evaluated, and the functional significance of this variant is currently unknown. In summary, the available evidence is currently insufficient to determine the role of this variant in disease. Therefore, it has been classified as a Variant of Uncertain Significance.

NM_019066.5(MAGEL2):c.811C>G (p.Pro271Ala)

Gene: MAGEL2 (MAGE family member L2; minus strand). Cytogenetic location: 15q11.2.
Variant type: single nucleotide variant.
Coding change: c.811C>G on transcript NM_019066.5 (MANE Select); coding-DNA position 811, C replaced by G.
Protein change: p.Pro271Ala; replaces proline 271 with alanine.
Molecular consequence: missense variant.
Genome position (GRCh38, 1-based): chr15:23,646,932, G>C on the plus strand (C>G on the coding strand, the complement: MAGEL2 is on the minus strand). VCF-style: chr15-23646932-G-C. GRCh37 (hg19) VCF-style: chr15-23892079-G-C.
Other names: short protein forms P271A.
Identifiers: ClinVar variation 3002350 (VCV003002350.3), dbSNP rs1336264832, ClinGen allele CA391335777.